The following is an entry in ClinVar:

ClinVar aggregate classification (germline): Pathogenic (1 of 4 stars; one submission).

Conditions:
Nemaline myopathy. Also called: Myopathies, Nemaline. Identifiers: Orphanet 607, MedGen C0206157, MONDO:0018958.

Submission:

Broad Center for Mendelian Genomics, Broad Institute of MIT and Harvard
Classification: Pathogenic for Nemaline myopathy. Last evaluated: 2025-03-04. Review status: criteria provided, single submitter. Criteria: ACMG Guidelines, 2015. Collection method: curation. Allele origin: germline. Inheritance: Autosomal recessive inheritance.
Comment: The p.Arg6816GlyfsTer38 variant in NEB has been reported, in the compound heterozygous state, in one individual with nemaline myopathy (PMID: 26197980), and has been identified in 0.002% (1/62410) of remaining chromosomes by the Genome Aggregation Database (gnomAD; dbSNP ID: rs1559767662). Although this variant has been seen in the general population in a heterozygous state, its frequency is low enough to be consistent with a recessive carrier frequency. This variant is predicted to cause a frameshift, which alters the protein‚Äôs amino acid sequence beginning at position 6816 and leads to a premature termination codon 38 amino acids downstream. This alteration is then predicted to lead to a truncated or absent protein. Loss of function of the NEB gene is an established disease mechanism in autosomal recessive nemaline myopathy. In summary, this variant meets criteria to be classified as pathogenic for autosomal autosomal recessive nemaline myopathy. ACMG/AMP Criteria applied: PVS1, PM3, PM2_supporting (Richards 2015).

NM_001164508.2(NEB):c.20446del (p.Arg6816fs)

Gene: NEB (nebulin; minus strand). Cytogenetic location: 2q23.3.
Variant type: Deletion.
Coding change: c.20446del on transcript NM_001164508.2 (MANE Select); coding-DNA position 20446, one base deleted (C; older notation c.20446delC).
Protein change: p.Arg6816fs; shifts the reading frame from arginine 6816.
Molecular consequence: frameshift variant.
Genome position (GRCh38, 1-based): chr2:151,546,365, G deleted on the plus strand (C on the coding strand, the reverse complement: NEB is on the minus strand); the first of 3 consecutive G bases (chr2:151,546,365-151,546,367); deleting any one gives the same sequence. VCF-style (leftmost placement, unchanged base first): chr2-151546364-CG-C. GRCh37 (hg19) VCF-style: chr2-152402878-CG-C.
Other names: NM_001164508.2:c.20446del; c.20446del, p.Arg6816fs (NM_001164507.2, NM_001271208.2); c.15343del, p.Arg5115fs (NM_004543.5); short protein forms R5115fs, R6816fs.
Identifiers: ClinVar variation 3776969 (VCV003776969.1).